The following is an entry in ClinVar:

NM_001458.5(FLNC):c.4825C>G (p.Arg1609Gly)

Gene: FLNC (filamin C; plus strand). Cytogenetic location: 7q32.1.
Variant type: single nucleotide variant.
Coding change: c.4825C>G on transcript NM_001458.5 (MANE Select); coding-DNA position 4825, C replaced by G.
Protein change: p.Arg1609Gly; replaces arginine 1609 with glycine.
Molecular consequence: missense variant.
Genome position (GRCh38, 1-based): chr7:128,848,880, C>G. VCF-style: chr7-128848880-C-G. GRCh37 (hg19) VCF-style: chr7-128488934-C-G.
Other names: c.4825C>G, p.Arg1609Gly (NM_001127487.2); short protein forms R1609G.
Identifiers: ClinVar variation 574913 (VCV000574913.13), dbSNP rs374756527, ClinGen allele CA166184613.

ClinVar aggregate classification (germline): Uncertain significance. Review status: criteria provided, multiple submitters, no conflicts (2 of 4 stars). 3 submissions from 3 submitters: Uncertain significance (3). Last evaluated 2025-11-05.

Conditions:
Myofibrillar myopathy 5. Also called: FILAMINOPATHY, AUTOSOMAL DOMINANT; Filaminopathy (type). Identifiers: Orphanet 171445, MedGen C1836050, MONDO:0012289, OMIM 609524.
Hypertrophic cardiomyopathy 26. Also called: Cardiomyopathy, familial hypertrophic, 26. Identifiers: Orphanet 75249, MedGen C4310749, MONDO:0014883, OMIM 617047.
Distal myopathy with posterior leg and anterior hand involvement. Also called: WILLIAMS DISTAL MYOPATHY. Identifiers: Orphanet 63273, MedGen C3279722, MONDO:0013550, OMIM 614065.
Cardiovascular phenotype. Identifiers: MedGen CN230736.

Allele frequency attached by ClinVar (database versions not stated): TOPMed below 0.00001.
gnomAD v4.1: 12 of 1,613,924 alleles (0.00074%); highest among the groups gnomAD compares: Non-Finnish European, 0.001%; no homozygotes.

Submissions (3):

Ambry Genetics
Classification: Uncertain significance for Cardiovascular phenotype. Last evaluated: 2025-11-05. Review status: criteria provided, single submitter. Criteria: Ambry Variant Classification Scheme 2023. Collection method: clinical testing. Allele origin: germline.
Comment: The c.4825C>G (p.R1609G) alteration is located in exon 28 (coding exon 28) of the FLNC gene. This alteration results from a C to G substitution at nucleotide position 4825, causing the arginine (R) at amino acid position 1609 to be replaced by a glycine (G). Based on data from gnomAD, the G allele has an overall frequency of <0.001% (1/248092) total alleles studied. The highest observed frequency was 0.001% (1/112006) of European (non-Finnish) alleles. Based on insufficient or conflicting evidence, the clinical significance of this alteration remains unclear.

ARUP Laboratories, Molecular Genetics and Genomics, ARUP Laboratories
Classification: Uncertain significance. Last evaluated: 2025-04-22. Review status: criteria provided, single submitter. Criteria: ARUP Molecular Germline Variant Investigation Process 2024. Collection method: clinical testing. Allele origin: germline.
Comment: The FLNC c.4825C>G; p.Arg1609Gly variant (rs374756527), to our knowledge, is not reported in the medical literature but is reported in ClinVar (Variation ID: 574913). This variant is only observed on one allele in the Genome Aggregation Database (v2.1.1), indicating it is not a common polymorphism. Computational analyses predict that this variant is deleterious (REVEL: 0.714). However, given the lack of clinical and functional data, the significance of this variant is uncertain at this time.

Labcorp Genetics (formerly Invitae), Labcorp
Classification: Uncertain significance for Distal myopathy with posterior leg and anterior hand involvement; Myofibrillar myopathy 5; Hypertrophic cardiomyopathy 26. Last evaluated: 2023-12-31. Review status: criteria provided, single submitter. Criteria: Invitae Variant Classification Sherloc (09022015). Collection method: clinical testing. Allele origin: germline.
Comment: This sequence change replaces arginine, which is basic and polar, with glycine, which is neutral and non-polar, at codon 1609 of the FLNC protein (p.Arg1609Gly). This variant is present in population databases (no rsID available, gnomAD 0.0009%). This variant has not been reported in the literature in individuals affected with FLNC-related conditions. ClinVar contains an entry for this variant (Variation ID: 574913). Advanced modeling of protein sequence and biophysical properties (such as structural, functional, and spatial information, amino acid conservation, physicochemical variation, residue mobility, and thermodynamic stability) has been performed at Invitae for this missense variant, however the output from this modeling did not meet the statistical confidence thresholds required to predict the impact of this variant on FLNC protein function. In summary, the available evidence is currently insufficient to determine the role of this variant in disease. Therefore, it has been classified as a Variant of Uncertain Significance.